The following is an entry in ClinVar:

ClinVar aggregate classification (germline): Uncertain significance (1 of 4 stars; one submission).

Conditions:
Inborn genetic diseases. Identifiers: MedGen C0950123, MeSH D030342.

gnomAD v4.1: 2 of 1,614,000 alleles (0.00012%); highest among the groups gnomAD compares: Non-Finnish European, 0.00017%; no homozygotes.

Submission:

Ambry Genetics
Classification: Uncertain significance for Inborn genetic diseases. Last evaluated: 2024-12-20. Review status: criteria provided, single submitter. Criteria: Ambry Variant Classification Scheme 2023. Collection method: clinical testing. Allele origin: germline.
Comment: The p.E681A variant (also known as c.2042A>C), located in coding exon 1 of the SAMD9 gene, results from an A to C substitution at nucleotide position 2042. The glutamic acid at codon 681 is replaced by alanine, an amino acid with dissimilar properties. This amino acid position is conserved. In addition, this alteration is predicted to be tolerated by in silico analysis. Based on the available evidence, the clinical significance of this variant remains unclear.

NM_017654.4(SAMD9):c.2042A>C (p.Glu681Ala)

Gene: SAMD9 (sterile alpha motif domain containing 9; minus strand). Cytogenetic location: 7q21.2.
Variant type: single nucleotide variant.
Coding change: c.2042A>C on transcript NM_017654.4 (MANE Select); coding-DNA position 2042, A replaced by C.
Protein change: p.Glu681Ala; replaces glutamic acid 681 with alanine.
Molecular consequence: missense variant.
Genome position (GRCh38, 1-based): chr7:93,104,056, T>G on the plus strand (A>C on the coding strand, the complement: SAMD9 is on the minus strand). VCF-style: chr7-93104056-T-G. GRCh37 (hg19) VCF-style: chr7-92733369-T-G.
Other names: c.2042A>C, p.Glu681Ala (NM_001193307.2); short protein forms E681A.
Identifiers: ClinVar variation 3791937 (VCV003791937.1).